The following is an entry in ClinVar:

NM_000186.4(CFH):c.618G>T (p.Val206=)

Gene: CFH (complement factor H; plus strand). Cytogenetic location: 1q31.3.
Variant type: single nucleotide variant.
Coding change: c.618G>T on transcript NM_000186.4 (MANE Select); coding-DNA position 618, G replaced by T.
Protein change: p.Val206=; no amino-acid change (valine 206 retained).
Molecular consequence: synonymous variant.
Genome position (GRCh38, 1-based): chr1:196,677,666, G>T. VCF-style: chr1-196677666-G-T. GRCh37 (hg19) VCF-style: chr1-196646796-G-T.
Other names: c.618G>T, p.Val206= (NM_001014975.3).
Identifiers: ClinVar variation 2713600 (VCV002713600.3), dbSNP rs749780651, ClinGen allele CA1305098.

ClinVar aggregate classification (germline): Uncertain significance (1 of 4 stars; one submission).

Allele frequency attached by ClinVar (database versions not stated): gnomAD exomes below 0.00001; TOPMed below 0.00001; ExAC 0.00001; gnomAD 0.00001.
gnomAD v4.1: 2 of 1,610,590 alleles (0.00012%); highest among the groups gnomAD compares: African/African-American, 0.0027%; no homozygotes.

Submission:

Labcorp Genetics (formerly Invitae), Labcorp
Classification: Uncertain significance. Last evaluated: 2023-07-03. Review status: criteria provided, single submitter. Criteria: Invitae Variant Classification Sherloc (09022015). Collection method: clinical testing. Allele origin: germline.
Comment: In summary, the available evidence is currently insufficient to determine the role of this variant in disease. Therefore, it has been classified as a Variant of Uncertain Significance. Algorithms developed to predict the effect of sequence changes on RNA splicing suggest that this variant is not likely to affect RNA splicing. This variant has not been reported in the literature in individuals affected with CFH-related conditions. This variant is present in population databases (rs749780651, gnomAD 0.008%). This sequence change affects codon 206 of the CFH mRNA. It is a 'silent' change, meaning that it does not change the encoded amino acid sequence of the CFH protein. It affects a nucleotide within the consensus splice site.